The following is an entry in ClinVar:

ClinVar aggregate classification (germline): Uncertain significance (1 of 4 stars; one submission).

gnomAD v4.1: 9 of 1,600,680 alleles (0.00056%); highest among the groups gnomAD compares: Admixed American, 0.0017%; no homozygotes.

Submission:

Women's Health and Genetics/Laboratory Corporation of America, LabCorp
Classification: Uncertain significance. Last evaluated: 2026-03-20. Review status: criteria provided, single submitter. Criteria: LabCorp Variant Classification Summary - May 2015. Collection method: clinical testing. Allele origin: germline.
Comment: Variant summary: PCDH7 c.110G>A (p.Arg37Gln) results in a conservative amino acid change in the encoded protein sequence. Algorithms developed to predict the effect of missense changes on protein structure and function are either unavailable or do not agree on the potential impact of this missense change. The variant allele was found at a frequency of 4.3e-06 in 231806 control chromosomes. The available data on variant occurrences in the general population are insufficient to allow any conclusion about variant significance. To our knowledge, no occurrence of c.110G>A in individuals affected with PCDH7-related conditions and no experimental evidence demonstrating its impact on protein function have been reported. No submitters have cited clinical-significance assessments for this variant to ClinVar. Based on the evidence outlined above, the variant was classified as uncertain significance.

NM_001173523.2(PCDH7):c.110G>A (p.Arg37Gln)

Gene: PCDH7 (protocadherin 7; plus strand). Cytogenetic location: 4p15.1.
Variant type: single nucleotide variant.
Coding change: c.110G>A on transcript NM_001173523.2 (MANE Select); coding-DNA position 110, G replaced by A.
Protein change: p.Arg37Gln; replaces arginine 37 with glutamine.
Molecular consequence: missense variant.
Genome position (GRCh38, 1-based): chr4:30,721,532, G>A. VCF-style: chr4-30721532-G-A. GRCh37 (hg19) VCF-style: chr4-30723154-G-A.
Other names: c.110G>A, p.Arg37Gln (NM_002589.4, NM_032457.4); short protein forms R37Q.
Identifiers: ClinVar variation 4847065 (VCV004847065.1).
Genomic context (GRCh38, chr4:30,721,532, plus strand): 5'-GCTGCCTCCTCCTGCCGCTCTCGCTCAGCCTGGCGGCCGCCAAGCAGCTCCTCCGGTACC[G>A]GCTGGCCGAGGAGGGCCCCGCCGACGTCCGCATCGGCAACGTGGCTTCAGACCTGGGCAT-3'
Protein context (NP_001166994.1, residues 27-47): LAAAKQLLRY[Arg37Gln]LAEEGPADVR